The following is an entry in ClinVar:

ClinVar aggregate classification (germline): Uncertain significance. Review status: criteria provided, multiple submitters, no conflicts (2 of 4 stars). 2 submissions from 2 submitters: Uncertain significance (2). Last evaluated 2025-08-08.

Conditions:
Pyridoxine-dependent epilepsy (EPEO4). Also called: Pyridoxine-Dependent Seizures; Pyridoxine-Dependent Epilepsy - ALDH7A1; PYRIDOXINE DEPENDENCY WITH SEIZURES; EPILEPSY, EARLY-ONSET, 4, VITAMIN B6-DEPENDENT. Identifiers: Orphanet 3006, MedGen C1849508, MONDO:0009945, OMIM 266100. Disease mechanism: loss of function.
Inborn genetic diseases. Identifiers: MedGen C0950123, MeSH D030342.

Allele frequency attached by ClinVar (database versions not stated): gnomAD exomes below 0.00001.
gnomAD v4.1: 2 of 1,614,074 alleles (0.00012%); highest among the groups gnomAD compares: Admixed American, 0.0033%; no homozygotes.

Submissions (2):

Ambry Genetics
Classification: Uncertain significance for Inborn genetic diseases. Last evaluated: 2025-08-08. Review status: criteria provided, single submitter. Criteria: Ambry Variant Classification Scheme 2023. Collection method: clinical testing. Allele origin: germline.

Labcorp Genetics (formerly Invitae), Labcorp
Classification: Uncertain significance for Pyridoxine-dependent epilepsy. Last evaluated: 2024-03-16. Review status: criteria provided, single submitter. Criteria: Invitae Variant Classification Sherloc (09022015). Collection method: clinical testing. Allele origin: germline.
Comment: This sequence change replaces valine, which is neutral and non-polar, with isoleucine, which is neutral and non-polar, at codon 483 of the ALDH7A1 protein (p.Val483Ile). This variant is not present in population databases (gnomAD no frequency). This variant has not been reported in the literature in individuals affected with ALDH7A1-related conditions. ClinVar contains an entry for this variant (Variation ID: 2154478). Advanced modeling of protein sequence and biophysical properties (such as structural, functional, and spatial information, amino acid conservation, physicochemical variation, residue mobility, and thermodynamic stability) has been performed at Invitae for this missense variant, however the output from this modeling did not meet the statistical confidence thresholds required to predict the impact of this variant on ALDH7A1 protein function. In summary, the available evidence is currently insufficient to determine the role of this variant in disease. Therefore, it has been classified as a Variant of Uncertain Significance.

NM_001182.5(ALDH7A1):c.1447G>A (p.Val483Ile)

Gene: ALDH7A1 (aldehyde dehydrogenase 7 family member A1; minus strand). Cytogenetic location: 5q23.2.
Variant type: single nucleotide variant.
Coding change: c.1447G>A on transcript NM_001182.5 (MANE Select); coding-DNA position 1447, G replaced by A.
Protein change: p.Val483Ile; replaces valine 483 with isoleucine.
Molecular consequence: missense variant.
Genome position (GRCh38, 1-based): chr5:126,549,971, C>T on the plus strand (G>A on the coding strand, the complement: ALDH7A1 is on the minus strand). VCF-style: chr5-126549971-C-T. GRCh37 (hg19) VCF-style: chr5-125885663-C-T.
Other names: c.1363G>A, p.Val455Ile (NM_001201377.2); c.1255G>A, p.Val419Ile (NM_001202404.2); c.1447G>A (NM_001182.4); short protein forms V483I, V419I, V455I.
Identifiers: ClinVar variation 2154478 (VCV002154478.3), dbSNP rs1749934076, ClinGen allele CA360721069.